The following is an entry in ClinVar:

ClinVar aggregate classification (germline): Uncertain significance. Review status: criteria provided, multiple submitters, no conflicts (2 of 4 stars). 2 submissions from 2 submitters: Uncertain significance (2). Last evaluated 2026-05-03.

Allele frequency attached by ClinVar (database versions not stated): ExAC 0.00006; ESP Exome Variant Server 0.00008; gnomAD 0.00008; TOPMed 0.00010; gnomAD exomes 0.00012.

Submissions (2):

Clinical Genomics Laboratory, Washington University in St. Louis
Classification: Uncertain significance. Last evaluated: 2026-05-03. Review status: criteria provided, single submitter. Criteria: ACMG Guidelines, 2015. Collection method: clinical testing. Allele origin: germline.
Comment: A GJA4 c.532G>A (p.Gly178Ser) variant was identified at a near heterozygous allelic fraction of 49.2%, a frequency which may be consistent with germline origin. This variant, to our knowledge, has not been reported in the medical literature but has been reported in the ClinVar database a germline variant of uncertain significance by one submitter (Variation ID: 2458581). It is observed on 179/1,613,716 alleles in the general population (gnomAD v4.1.1). Computational predictors indicate that the variant is damaging, evidence that correlates with impact to GJA4 function. Due to limited information, and based on ACMG/AMP guidelines for variant interpretation (Richards S et al., PMID: 25741868), the clinical significance of this variant is uncertain at this time.

Ambry Genetics
Classification: Uncertain significance. Last evaluated: 2025-03-28. Review status: criteria provided, single submitter. Criteria: Ambry Variant Classification Scheme 2023. Collection method: clinical testing. Allele origin: germline.

NM_002060.3(GJA4):c.532G>A (p.Gly178Ser)

Gene: GJA4 (gap junction protein alpha 4; plus strand). Cytogenetic location: 1p34.3.
Variant type: single nucleotide variant.
Coding change: c.532G>A on transcript NM_002060.3 (MANE Select); coding-DNA position 532, G replaced by A.
Protein change: p.Gly178Ser; replaces glycine 178 with serine.
Molecular consequence: missense variant.
Genome position (GRCh38, 1-based): chr1:34,794,745, G>A. VCF-style: chr1-34794745-G-A. GRCh37 (hg19) VCF-style: chr1-35260346-G-A.
Other names: short protein forms G178S.
Identifiers: ClinVar variation 2458581 (VCV002458581.4), dbSNP rs138853660, ClinGen allele CA755070.
Genomic context (GRCh38, chr1:34,794,745, plus strand): 5'-AGTGTGCTCTGCAAGAGTGTGCTAGAGGCAGGCTTCCTCTATGGCCAGTGGCGCCTGTAC[G>A]GCTGGACCATGGAGCCCGTGTTTGTGTGCCAGCGAGCACCCTGCCCCTACCTCGTGGACT-3'
Protein context (NP_002051.2, residues 168-188): GFLYGQWRLY[Gly178Ser]WTMEPVFVCQ